The following is an entry in ClinVar:

NM_001211.6(BUB1B):c.2341T>C (p.Phe781Leu)

Gene: BUB1B (BUB1 mitotic checkpoint serine/threonine kinase B; plus strand). Cytogenetic location: 15q15.1.
Variant type: single nucleotide variant.
Coding change: c.2341T>C on transcript NM_001211.6 (MANE Select); coding-DNA position 2341, T replaced by C.
Protein change: p.Phe781Leu; replaces phenylalanine 781 with leucine.
Molecular consequence: missense variant.
Genome position (GRCh38, 1-based): chr15:40,210,166, T>C. VCF-style: chr15-40210166-T-C. GRCh37 (hg19) VCF-style: chr15-40502367-T-C.
Other names: short protein forms F781L.
Identifiers: ClinVar variation 1512153 (VCV001512153.6), dbSNP rs368996088, ClinGen allele CA7476015.

ClinVar aggregate classification (germline): Uncertain significance (1 of 4 stars; one submission).

Conditions:
Mosaic variegated aneuploidy syndrome 1 (MVA1). Also called: Warburton-Anyane-Yeboa syndrome. Identifiers: Orphanet 1052, MedGen C1850343, MONDO:0009759, OMIM 257300.

Allele frequency attached by ClinVar (database versions not stated): ExAC 0.00006; ESP Exome Variant Server 0.00008; TOPMed below 0.00001; gnomAD 0.00001; gnomAD exomes 0.00003.

Submission:

Labcorp Genetics (formerly Invitae), Labcorp
Classification: Uncertain significance for Mosaic variegated aneuploidy syndrome 1. Last evaluated: 2025-10-25. Review status: criteria provided, single submitter. Criteria: Invitae Variant Classification Sherloc (09022015). Collection method: clinical testing. Allele origin: germline.
Comment: This sequence change replaces phenylalanine, which is neutral and non-polar, with leucine, which is neutral and non-polar, at codon 781 of the BUB1B protein (p.Phe781Leu). This variant is present in population databases (rs368996088, gnomAD 0.006%). This variant has not been reported in the literature in individuals affected with BUB1B-related conditions. ClinVar contains an entry for this variant (Variation ID: 1512153). An algorithm developed to predict the effect of missense changes on protein structure and function (PolyPhen-2) suggests that this variant is likely to be tolerated. In summary, the available evidence is currently insufficient to determine the role of this variant in disease. Therefore, it has been classified as a Variant of Uncertain Significance.